The following is an entry in ClinVar:

NC_000015.9:g.(?_48729138)_(48734063_?)del

Gene: FBN1 (fibrillin 1; minus strand). Cytogenetic location: 15q21.1.
Variant type: Deletion.
Identifiers: ClinVar variation 2422448 (VCV002422448.2).

ClinVar aggregate classification (germline): Pathogenic (1 of 4 stars; one submission).

Conditions:
Marfan syndrome (MFS). Also called: MARFAN SYNDROME, TYPE I; FBN1-Related Marfan Syndrome; Marfan syndrome type 1; Marfan's syndrome; Marfan syndrome, classic. Identifiers: Orphanet 284963, Orphanet 558, MedGen C0024796, MONDO:0007947, OMIM 154700.
Familial thoracic aortic aneurysm and aortic dissection (TAAD). Also called: Thoracic aortic aneurysms and dissections. Identifiers: Orphanet 91387, MedGen C4707243, MONDO:0019625.

Submission:

Labcorp Genetics (formerly Invitae), Labcorp
Classification: Pathogenic for Marfan syndrome; Familial thoracic aortic aneurysm and aortic dissection. Last evaluated: 2022-04-11. Review status: criteria provided, single submitter. Criteria: Invitae Variant Classification Sherloc (09022015). Collection method: clinical testing. Allele origin: germline.
Comment: This variant affects a cysteine residue in the EGF-like, TGFBP or hybrid motif domains of FBN1. Cysteine residues are believed to be involved in intramolecular disulfide bridges and have been shown to be important for FBN1 protein structure (PMID: 16905551, 19349279). In addition, missense substitutions affecting cysteine residues within these domains are significantly overrepresented among patients with Marfan syndrome (PMID: 16571647, 17701892). This variant has not been reported in the literature in individuals affected with FBN1-related conditions. This variant is a gross deletion of the genomic region encompassing exon(s) 50-53 of the FBN1 gene. This variant would be expected to be in-frame, preserving the integrity of the reading frame. For these reasons, this variant has been classified as Pathogenic.

Literature cited by the submitters: PubMed 16905551; PubMed 19349279; PubMed 16571647; PubMed 17701892.